The following is an entry in ClinVar:

NM_017514.5(PLXNA3):c.393G>A (p.Leu131=)

Gene: PLXNA3 (plexin A3; plus strand). Cytogenetic location: Xq28.
Variant type: single nucleotide variant.
Coding change: c.393G>A on transcript NM_017514.5 (MANE Select); coding-DNA position 393, G replaced by A.
Protein change: p.Leu131=; no amino-acid change (leucine 131 retained).
Molecular consequence: synonymous variant.
Genome position (GRCh38, 1-based): chrX:154,460,576, G>A. VCF-style: chrX-154460576-G-A. GRCh37 (hg19) VCF-style: chrX-153688916-G-A.
Identifiers: ClinVar variation 4993835 (VCV004993835.1).

ClinVar aggregate classification (germline): Uncertain significance (1 of 4 stars; one submission).

Conditions:
PLXNA3-related disorder. Also called: PLXNA3-related condition.

Submission:

PreventionGenetics, part of Exact Sciences
Classification: Uncertain significance for PLXNA3-related condition. Last evaluated: 2026-06-30. Review status: criteria provided, single submitter. Criteria: ACMG Guidelines, 2015. Collection method: clinical testing. Allele origin: germline.
Comment: The PLXNA3 c.393G>A variant is not predicted to result in an amino acid change (p.=). To our knowledge, this variant has not been reported in the literature or in a large population database (gnomAD), indicating this variant is rare. At this time, the clinical significance of this variant is uncertain due to the absence of conclusive functional and genetic evidence.